The following is an entry in ClinVar:

NM_024422.6(DSC2):c.2203C>T (p.Gln735Ter)

Gene: DSC2 (desmocollin 2; minus strand). Cytogenetic location: 18q12.1.
Variant type: single nucleotide variant.
Coding change: c.2203C>T on transcript NM_024422.6 (MANE Select); coding-DNA position 2203, C replaced by T.
Protein change: p.Gln735Ter; replaces glutamine 735 with a stop codon.
Molecular consequence: nonsense.
Genome position (GRCh38, 1-based): chr18:31,070,773, G>A on the plus strand (C>T on the coding strand, the complement: DSC2 is on the minus strand). VCF-style: chr18-31070773-G-A. GRCh37 (hg19) VCF-style: chr18-28650739-G-A.
Other names: c.1774C>T, p.Gln592Ter (NM_001406506.1, NM_001406507.1); c.2203C>T, p.Gln735Ter (NM_004949.5); short protein forms Q592*, Q735*.
Identifiers: ClinVar variation 2824457 (VCV002824457.3), dbSNP rs2510939437, ClinGen allele CA402112435.
Genomic context (GRCh38, chr18:31,070,773, plus strand): 5'-CCAGACTACTTACCACTTTGTCATCTCCAGGAGCTTCTGTGTTTGATACAATTAGGTTCT[G>A]CTGGGCTAAATCATCAGGAATTACTTTTGGTTGTTTAGACGTCCCAGAAGCCCCACAGAC-3'

ClinVar aggregate classification (germline): Pathogenic (1 of 4 stars; one submission).

Conditions:
Arrhythmogenic right ventricular dysplasia 11. Also called: ARRHYTHMOGENIC RIGHT VENTRICULAR DYSPLASIA, FAMILIAL, 11; Arrhythmogenic Right Ventricular Dysplasia/Cardiomyopathy11; Arrhythmogenic right ventricular dysplasia 11 with mild palmoplantar keratoderma and woolly hair. Identifiers: MedGen C1864850, MONDO:0012506, OMIM 610476.

Submission:

Labcorp Genetics (formerly Invitae), Labcorp
Classification: Pathogenic for Arrhythmogenic right ventricular dysplasia 11. Last evaluated: 2022-12-27. Review status: criteria provided, single submitter. Criteria: Invitae Variant Classification Sherloc (09022015). Collection method: clinical testing. Allele origin: germline.
Comment: For these reasons, this variant has been classified as Pathogenic. This variant has not been reported in the literature in individuals affected with DSC2-related conditions. This variant is not present in population databases (gnomAD no frequency). This sequence change creates a premature translational stop signal (p.Gln735*) in the DSC2 gene. It is expected to result in an absent or disrupted protein product. Loss-of-function variants in DSC2 are known to be pathogenic (PMID: 23911551).

Literature cited by the submitters: PubMed 23911551.